The following is an entry in ClinVar:

NM_000138.5(FBN1):c.4537T>A (p.Cys1513Ser)

Gene: FBN1 (fibrillin 1; minus strand). Cytogenetic location: 15q21.1.
Variant type: single nucleotide variant.
Coding change: c.4537T>A on transcript NM_000138.5 (MANE Select); coding-DNA position 4537, T replaced by A.
Protein change: p.Cys1513Ser; replaces cysteine 1513 with serine.
Molecular consequence: missense variant.
Genome position (GRCh38, 1-based): chr15:48,468,457, A>T on the plus strand (T>A on the coding strand, the complement: FBN1 is on the minus strand). VCF-style: chr15-48468457-A-T. GRCh37 (hg19) VCF-style: chr15-48760654-A-T.
Other names: c.4537T>A, p.Cys1513Ser (NM_001406716.1); short protein forms C1513S.
Identifiers: ClinVar variation 4789650 (VCV004789650.1).

ClinVar aggregate classification (germline): Pathogenic (1 of 4 stars; one submission).

Conditions:
Marfan syndrome (MFS). Also called: FBN1-Related Marfan Syndrome; MARFAN SYNDROME, TYPE I; Marfan syndrome type 1; Marfan's syndrome; Marfan syndrome, classic. Identifiers: Orphanet 284963, Orphanet 558, MedGen C0024796, MONDO:0007947, OMIM 154700.
Familial thoracic aortic aneurysm and aortic dissection (TAAD). Also called: Thoracic aortic aneurysms and dissections. Identifiers: Orphanet 91387, MedGen C4707243, MONDO:0019625.

Submission:

Labcorp Genetics (formerly Invitae), Labcorp
Classification: Pathogenic for Marfan syndrome; Familial thoracic aortic aneurysm and aortic dissection. Last evaluated: 2025-09-29. Review status: criteria provided, single submitter. Criteria: Invitae Variant Classification Sherloc (09022015). Collection method: clinical testing. Allele origin: germline.
Comment: This sequence change replaces cysteine, which is neutral and slightly polar, with serine, which is neutral and polar, at codon 1513 of the FBN1 protein (p.Cys1513Ser). This variant is not present in population databases (gnomAD no frequency). This missense change has been observed in individual(s) with Marfan syndrome (PMID: 32679894). Invitae Evidence Modeling of protein sequence and biophysical properties (such as structural, functional, and spatial information, amino acid conservation, physicochemical variation, residue mobility, and thermodynamic stability) indicates that this missense variant is expected to disrupt FBN1 protein function with a positive predictive value of 95%. This variant affects a cysteine residue in the EGF-like, TGFBP or hybrid motif domains of FBN1. Cysteine residues are believed to be involved in intramolecular disulfide bridges and have been shown to be important for FBN1 protein structure (PMID: 16905551, 19349279). In addition, missense substitutions affecting cysteine residues within these domains are significantly overrepresented among patients with Marfan syndrome (PMID: 16571647, 17701892). This variant disrupts the p.Cys1513 amino acid residue in FBN1. Other variant(s) that disrupt this residue have been observed in individuals with FBN1-related conditions (PMID: 8136837, 16476890), which suggests that this may be a clinically significant amino acid residue. For these reasons, this variant has been classified as Pathogenic.

Literature cited by the submitters: PubMed 32679894; PubMed 16905551; PubMed 19349279; PubMed 16571647; PubMed 17701892; PubMed 8136837; PubMed 16476890.